The following is an entry in ClinVar:

NM_016239.4(MYO15A):c.5651T>C (p.Leu1884Pro)

Gene: MYO15A (myosin XVA; plus strand). Cytogenetic location: 17p11.2.
Variant type: single nucleotide variant.
Coding change: c.5651T>C on transcript NM_016239.4 (MANE Select); coding-DNA position 5651, T replaced by C.
Protein change: p.Leu1884Pro; replaces leucine 1884 with proline.
Molecular consequence: missense variant.
Genome position (GRCh38, 1-based): chr17:18,142,080, T>C. VCF-style: chr17-18142080-T-C. GRCh37 (hg19) VCF-style: chr17-18045394-T-C.
Other names: short protein forms L1884P.
Identifiers: ClinVar variation 3601362 (VCV003601362.1).

ClinVar aggregate classification (germline): Likely pathogenic (1 of 4 stars; one submission).

Conditions:
Autosomal recessive nonsyndromic hearing loss 3. Also called: NEUROSENSORY NONSYNDROMIC RECESSIVE DEAFNESS 3. Identifiers: Orphanet 90636, MedGen C1838263, MONDO:0010860, OMIM 600316.

Submission:

Institute of Rare Diseases, West China Hospital, Sichuan University
Classification: Likely pathogenic for Autosomal recessive nonsyndromic hearing loss 3. Last evaluated: 2025-01-09. Review status: criteria provided, single submitter. Criteria: ClinGen HL ACMG Specifications v1. Collection method: research. Allele origin: germline. Affected: yes.
Comment: PM3_Strong;PM2_Supporting;PP3